The following is an entry in ClinVar:

ClinVar aggregate classification (germline): Pathogenic (1 of 4 stars; one submission).

Conditions:
Emery-Dreifuss muscular dystrophy 4, autosomal dominant (EDMD4). Also called: EMERY-DREIFUSS MUSCULAR DYSTROPHY 4 WITH VARIABLE FEATURES. Identifiers: Orphanet 261, MedGen C2751807, MONDO:0013071, OMIM 612998.
Autosomal recessive ataxia, Beauce type. Also called: SYNE1-Related Autosomal Recessive Cerebellar Ataxia; SYNE1 Deficiency; Spinocerebellar ataxia, autosomal recessive 8; ATAXIA, RECESSIVE, OF BEAUCE. Identifiers: Orphanet 88644, MedGen C1853116, MONDO:0012549, OMIM 610743.

Allele frequency attached by ClinVar (database versions not stated): gnomAD exomes below 0.00001; TOPMed below 0.00001; gnomAD 0.00001.
gnomAD v4.1: 2 of 1,613,986 alleles (0.00012%); highest among the groups gnomAD compares: Non-Finnish European, 0.00017%; no homozygotes.

Submission:

Labcorp Genetics (formerly Invitae), Labcorp
Classification: Pathogenic for Emery-Dreifuss muscular dystrophy 4, autosomal dominant; Autosomal recessive ataxia, Beauce type. Last evaluated: 2025-06-20. Review status: criteria provided, single submitter. Criteria: Invitae Variant Classification Sherloc (09022015). Collection method: clinical testing. Allele origin: germline.
Comment: This sequence change creates a premature translational stop signal (p.Gln2697*) in the SYNE1 gene. It is expected to result in an absent or disrupted protein product. Loss-of-function variants in SYNE1 are known to be pathogenic (PMID: 19542096, 24319099, 27086870). This variant is present in population databases (no rsID available, gnomAD 0.007%). This variant has not been reported in the literature in individuals affected with SYNE1-related conditions. ClinVar contains an entry for this variant (Variation ID: 1902025). For these reasons, this variant has been classified as Pathogenic.

Literature cited by the submitters: PubMed 19542096; PubMed 24319099; PubMed 27086870.

NM_182961.4(SYNE1):c.8068C>T (p.Gln2690Ter)

Gene: SYNE1 (spectrin repeat containing nuclear envelope protein 1; minus strand). Cytogenetic location: 6q25.2.
Variant type: single nucleotide variant.
Coding change: c.8068C>T on transcript NM_182961.4 (MANE Select); coding-DNA position 8068, C replaced by T.
Protein change: p.Gln2690Ter; replaces glutamine 2690 with a stop codon.
Molecular consequence: nonsense.
Genome position (GRCh38, 1-based): chr6:152,390,389, G>A on the plus strand (C>T on the coding strand, the complement: SYNE1 is on the minus strand). VCF-style: chr6-152390389-G-A. GRCh37 (hg19) VCF-style: chr6-152711524-G-A.
Other names: c.8089C>T, p.Gln2697Ter (NM_033071.5); short protein forms Q2690*, Q2697*.
Identifiers: ClinVar variation 1902025 (VCV001902025.5), dbSNP rs1424284351, ClinGen allele CA366106013.